The following is an entry in ClinVar:

ClinVar aggregate classification (germline): Uncertain significance (1 of 4 stars; one submission).

Allele frequency attached by ClinVar (database versions not stated): 1000 Genomes Project 30x 0.00016; 1000 Genomes Project 0.00020.
gnomAD v4.1: 8 of 1,613,836 alleles (0.0005%); highest among the groups gnomAD compares: Admixed American, 0.005%; no homozygotes.

Submission:

Labcorp Genetics (formerly Invitae), Labcorp
Classification: Uncertain significance. Last evaluated: 2025-01-15. Review status: criteria provided, single submitter. Criteria: Invitae Variant Classification Sherloc (09022015). Collection method: clinical testing. Allele origin: germline.
Comment: This sequence change replaces arginine, which is basic and polar, with leucine, which is neutral and non-polar, at codon 698 of the DENND5A protein (p.Arg698Leu). This variant is present in population databases (rs150663913, gnomAD 0.004%). This variant has not been reported in the literature in individuals affected with DENND5A-related conditions. ClinVar contains an entry for this variant (Variation ID: 2173944). Invitae Evidence Modeling of protein sequence and biophysical properties (such as structural, functional, and spatial information, amino acid conservation, physicochemical variation, residue mobility, and thermodynamic stability) indicates that this missense variant is not expected to disrupt DENND5A protein function with a negative predictive value of 80%. In summary, the available evidence is currently insufficient to determine the role of this variant in disease. Therefore, it has been classified as a Variant of Uncertain Significance.

NM_015213.4(DENND5A):c.2093G>T (p.Arg698Leu)

Genes: DENND5A (DENN domain containing 5A; minus strand), LOC126861134 (CDK7 strongly-dependent group 2 enhancer GRCh37_chr11:9190693-9191892; plus strand). Cytogenetic location: 11p15.4.
Variant type: single nucleotide variant.
Coding change: c.2093G>T on transcript NM_015213.4 (MANE Select); coding-DNA position 2093, G replaced by T.
Protein change: p.Arg698Leu; replaces arginine 698 with leucine.
Molecular consequence: missense variant. On other transcripts: non-coding transcript variant (1).
Genome position (GRCh38, 1-based): chr11:9,169,914, C>A on the plus strand (G>T on the coding strand, the complement: DENND5A is on the minus strand). VCF-style: chr11-9169914-C-A. GRCh37 (hg19) VCF-style: chr11-9191461-C-A.
Other names: c.2093G>T, p.Arg698Leu (NM_001243254.2, NM_001348748.1); c.2021G>T, p.Arg674Leu (NM_001348749.2); c.1805G>T, p.Arg602Leu (NM_001348750.2); short protein forms R698L, R602L, R674L.
Identifiers: ClinVar variation 2173944 (VCV002173944.2), dbSNP rs150663913, ClinGen allele CA5877437.